The following is an entry in ClinVar:

ClinVar aggregate classification (germline): Benign/Likely benign. Review status: criteria provided, multiple submitters, no conflicts (2 of 4 stars). 3 submissions from 3 submitters: Benign (1); Likely benign (1). 1 of the submissions does not count toward it. Last evaluated 2026-02-01.

Conditions:
DNAJC13-related disorder. Also called: DNAJC13-related condition.

Allele frequency attached by ClinVar (database versions not stated): TOPMed 0.00072; ESP Exome Variant Server 0.00077; 1000 Genomes Project 0.00160; 1000 Genomes Project 30x 0.00187.
gnomAD v4.1: 1,755 of 1,614,080 alleles (0.11%); highest among the groups gnomAD compares: South Asian, 0.35%; 6 homozygotes.

Submissions (3):

CeGaT Center for Human Genetics Tuebingen
Classification: Benign. Last evaluated: 2026-02-01. Review status: criteria provided, single submitter. Criteria: CeGaT Center For Human Genetics Tuebingen Variant Classification Criteria Version 2. Collection method: clinical testing. Allele origin: germline. Affected: yes. Observed: 2 variant alleles.
Comment: DNAJC13: BS1, BS2

Labcorp Genetics (formerly Invitae), Labcorp
Classification: Likely benign. Last evaluated: 2019-12-31. Review status: criteria provided, single submitter. Criteria: Invitae Variant Classification Sherloc (09022015). Collection method: clinical testing. Allele origin: germline.

PreventionGenetics, part of Exact Sciences
Classification: Likely benign for DNAJC13-related condition. Last evaluated: 2023-04-04. Review status: no assertion criteria provided. Collection method: clinical testing. Allele origin: germline. Not counted in ClinVar's aggregate classification.
Comment: This variant is classified as likely benign based on ACMG/AMP sequence variant interpretation guidelines (Richards et al. 2015 PMID: 25741868, with internal and published modifications).

NM_015268.4(DNAJC13):c.5983G>C (p.Val1995Leu)

Gene: DNAJC13 (DnaJ heat shock protein family (Hsp40) member C13; plus strand). Cytogenetic location: 3q22.1.
Variant type: single nucleotide variant.
Coding change: c.5983G>C on transcript NM_015268.4 (MANE Select); coding-DNA position 5983, G replaced by C.
Protein change: p.Val1995Leu; replaces valine 1995 with leucine.
Molecular consequence: missense variant.
Genome position (GRCh38, 1-based): chr3:132,523,636, G>C. VCF-style: chr3-132523636-G-C. GRCh37 (hg19) VCF-style: chr3-132242480-G-C.
Other names: c.5998G>C, p.Val2000Leu (NM_001329126.2); short protein forms V2000L, V1995L.
Identifiers: ClinVar variation 719416 (VCV000719416.29), dbSNP rs10935014, ClinGen allele CA2619998.